The following is an entry in ClinVar:

ClinVar aggregate classification (germline): Likely benign (1 of 4 stars; one submission).

Conditions:
EPPK1-related disorder. Also called: EPPK1-related condition.

Submission:

PreventionGenetics, part of Exact Sciences
Classification: Likely benign for EPPK1-related condition. Last evaluated: 2025-07-22. Review status: criteria provided, single submitter. Criteria: ACMG Guidelines, 2015. Collection method: clinical testing. Allele origin: germline.
Comment: This variant is classified as likely benign based on ACMG/AMP sequence variant interpretation guidelines (Richards et al. 2015 PMID: 25741868, with internal and published modifications).

NM_031308.4(EPPK1):c.7146C>T (p.Asp2382=)

Gene: EPPK1 (epiplakin 1; minus strand). Cytogenetic location: 8q24.3.
Variant type: single nucleotide variant.
Coding change: c.7146C>T on transcript NM_031308.4 (MANE Select); coding-DNA position 7146, C replaced by T.
Protein change: p.Asp2382=; no amino-acid change (aspartic acid 2382 retained).
Molecular consequence: synonymous variant.
Genome position (GRCh38, 1-based): chr8:143,866,108, G>A on the plus strand (C>T on the coding strand, the complement: EPPK1 is on the minus strand). VCF-style: chr8-143866108-G-A.
Identifiers: ClinVar variation 4998374 (VCV004998374.1).
Genomic context (GRCh38, chr8:143,866,108, plus strand): 5'-GCGCAGCAGCTGCACGTACGTGAGGTTCTCGTGCGTGTTGGGGTCGAAGAAGCCCTTGGT[G>A]TCGTCGCTGGGGTCGGCCAGGACACGGTTCATCTCCTCGTCGAAGTAGCCGCGCCGGTAG-3'
Protein context (NP_112598.3, residues 2372-2392): MNRVLADPSD[Asp2382=]TKGFFDPNTH